The following is an entry in ClinVar:

NM_004380.3(CREBBP):c.4302G>A (p.Leu1434=)

Gene: CREBBP (CREB binding lysine acetyltransferase; minus strand). Cytogenetic location: 16p13.3.
Variant type: single nucleotide variant.
Coding change: c.4302G>A on transcript NM_004380.3 (MANE Select); coding-DNA position 4302, G replaced by A.
Protein change: p.Leu1434=; no amino-acid change (leucine 1434 retained).
Molecular consequence: synonymous variant.
Genome position (GRCh38, 1-based): chr16:3,738,651, C>T on the plus strand (G>A on the coding strand, the complement: CREBBP is on the minus strand). VCF-style: chr16-3738651-C-T. GRCh37 (hg19) VCF-style: chr16-3788652-C-T.
Other names: c.4188G>A, p.Leu1396= (NM_001079846.1).
Identifiers: ClinVar variation 4072601 (VCV004072601.1).
Genomic context (GRCh38, chr16:3,738,651, plus strand): 5'-AAGGATCTCATGGTAAACGGCTGTGCGGAGGCAACGTGGCCGGAAGAAATGAATACTATC[C>T]AGATAAGAAATGTACACACGCCTGTGGGAAGGAGGCACATGTTTAACTCAGGGTATCCCT-3'
Protein context (NP_004371.2, residues 1424-1444): PNTRRVYISY[Leu1434=]DSIHFFRPRC

ClinVar aggregate classification (germline): Uncertain significance (1 of 4 stars; one submission).

Submission:

GeneDx
Classification: Uncertain significance. Last evaluated: 2025-01-30. Review status: criteria provided, single submitter. Criteria: GeneDx Variant Classification Process June 2021. Collection method: clinical testing. Allele origin: germline. Affected: yes.
Comment: Not observed at significant frequency in large population cohorts (gnomAD); In silico analysis supports a deleterious effect on splicing; Has not been previously published as pathogenic or benign to our knowledge.